The following is an entry in ClinVar:

ClinVar aggregate classification (germline): Uncertain significance. Review status: criteria provided, multiple submitters, no conflicts (2 of 4 stars). 2 submissions from 2 submitters: Uncertain significance (2). Last evaluated 2025-01-21.

Conditions:
Inborn genetic diseases. Identifiers: MedGen C0950123, MeSH D030342.

Allele frequency attached by ClinVar (database versions not stated): gnomAD exomes below 0.00001; TOPMed 0.00001.
gnomAD v4.1: 5 of 1,614,022 alleles (0.00031%); highest among the groups gnomAD compares: Admixed American, 0.0083%; no homozygotes.

Submissions (2):

Ambry Genetics
Classification: Uncertain significance for Inborn genetic diseases. Last evaluated: 2025-01-21. Review status: criteria provided, single submitter. Criteria: Ambry Variant Classification Scheme 2023. Collection method: clinical testing. Allele origin: germline.

Labcorp Genetics (formerly Invitae), Labcorp
Classification: Uncertain significance. Last evaluated: 2022-10-18. Review status: criteria provided, single submitter. Criteria: Invitae Variant Classification Sherloc (09022015). Collection method: clinical testing. Allele origin: germline.
Comment: Advanced modeling of protein sequence and biophysical properties (such as structural, functional, and spatial information, amino acid conservation, physicochemical variation, residue mobility, and thermodynamic stability) performed at Invitae indicates that this missense variant is not expected to disrupt NBAS protein function. In summary, the available evidence is currently insufficient to determine the role of this variant in disease. Therefore, it has been classified as a Variant of Uncertain Significance. This sequence change replaces alanine, which is neutral and non-polar, with valine, which is neutral and non-polar, at codon 1795 of the NBAS protein (p.Ala1795Val). This variant is present in population databases (no rsID available, gnomAD 0.003%). This variant has not been reported in the literature in individuals affected with NBAS-related conditions. ClinVar contains an entry for this variant (Variation ID: 1382345).

NM_015909.4(NBAS):c.5384C>T (p.Ala1795Val)

Gene: NBAS (NBAS subunit of NRZ tethering complex; minus strand). Cytogenetic location: 2p24.3.
Variant type: single nucleotide variant.
Coding change: c.5384C>T on transcript NM_015909.4 (MANE Select); coding-DNA position 5384, C replaced by T.
Protein change: p.Ala1795Val; replaces alanine 1795 with valine.
Molecular consequence: missense variant. On other transcripts: non-coding transcript variant (1).
Genome position (GRCh38, 1-based): chr2:15,276,856, G>A on the plus strand (C>T on the coding strand, the complement: NBAS is on the minus strand). VCF-style: chr2-15276856-G-A. GRCh37 (hg19) VCF-style: chr2-15416980-G-A.
Other names: c.5384C>T (NM_015909.2); short protein forms A1795V.
Identifiers: ClinVar variation 1382345 (VCV001382345.6), dbSNP rs1475827795, ClinGen allele CA345883446.